The following is an entry in ClinVar:

ClinVar aggregate classification (germline): Uncertain significance. Review status: criteria provided, multiple submitters, no conflicts (2 of 4 stars). 2 submissions from 2 submitters: Uncertain significance (2). Last evaluated 2022-12-20.

Conditions:
DNAH9-related disorder. Also called: DNAH9-related condition.

Allele frequency attached by ClinVar (database versions not stated): ExAC 0.00001; gnomAD exomes 0.00001; gnomAD 0.00002; TOPMed 0.00002; 1000 Genomes Project 30x 0.00016; 1000 Genomes Project 0.00020.
gnomAD v4.1: 23 of 1,613,918 alleles (0.0014%); highest among the groups gnomAD compares: Middle Eastern, 0.017%; no homozygotes.

Submissions (2):

PreventionGenetics, part of Exact Sciences
Classification: Uncertain significance for DNAH9-related condition. Last evaluated: 2022-12-20. Review status: criteria provided, single submitter. Criteria: ACMG Guidelines, 2015. Collection method: clinical testing. Allele origin: germline.
Comment: The DNAH9 c.10810G>A variant is predicted to result in the amino acid substitution p.Asp3604Asn. To our knowledge, this variant has not been reported in the literature. This variant is reported in 0.0040% of alleles in individuals of African descent in gnomAD. At this time, the clinical significance of this variant is uncertain due to the absence of conclusive functional and genetic evidence.

Labcorp Genetics (formerly Invitae), Labcorp
Classification: Uncertain significance. Last evaluated: 2022-07-12. Review status: criteria provided, single submitter. Criteria: Invitae Variant Classification Sherloc (09022015). Collection method: clinical testing. Allele origin: germline.
Comment: This sequence change replaces aspartic acid, which is acidic and polar, with asparagine, which is neutral and polar, at codon 3604 of the DNAH9 protein (p.Asp3604Asn). This variant is present in population databases (rs191812706, gnomAD 0.004%). This variant has not been reported in the literature in individuals affected with DNAH9-related conditions. Algorithms developed to predict the effect of missense changes on protein structure and function output the following: SIFT: "Deleterious"; PolyPhen-2: "Benign"; Align-GVGD: "Class C0". The asparagine amino acid residue is found in multiple mammalian species, which suggests that this missense change does not adversely affect protein function. In summary, the available evidence is currently insufficient to determine the role of this variant in disease. Therefore, it has been classified as a Variant of Uncertain Significance.

NM_001372.4(DNAH9):c.10810G>A (p.Asp3604Asn)

Genes: DNAH9 (dynein axonemal heavy chain 9; plus strand), LOC101928350 (uncharacterized LOC101928350; minus strand). Cytogenetic location: 17p12.
Variant type: single nucleotide variant.
Coding change: c.10810G>A on transcript NM_001372.4 (MANE Select); coding-DNA position 10810, G replaced by A.
Protein change: p.Asp3604Asn; replaces aspartic acid 3604 with asparagine.
Molecular consequence: missense variant. On other transcripts: 5 prime UTR variant (1).
Genome position (GRCh38, 1-based): chr17:11,883,589, G>A. VCF-style: chr17-11883589-G-A. GRCh37 (hg19) VCF-style: chr17-11786906-G-A.
Other names: c.-255G>A (NM_004662.2); c.10810G>A (NM_001372.3); short protein forms D3604N.
Identifiers: ClinVar variation 1955632 (VCV001955632.3), dbSNP rs191812706, ClinGen allele CA8397649.